The following is an entry in ClinVar:

ClinVar aggregate classification (germline): Pathogenic (1 of 4 stars; one submission).

Allele frequency attached by ClinVar (database versions not stated): ExAC 0.00004; gnomAD 0.00008; TOPMed 0.00008.
gnomAD v4.1: 226 of 1,614,024 alleles (0.014%); highest among the groups gnomAD compares: Non-Finnish European, 0.017%; no homozygotes.

Submission:

Labcorp Genetics (formerly Invitae), Labcorp
Classification: Pathogenic. Last evaluated: 2024-03-11. Review status: criteria provided, single submitter. Criteria: Invitae Variant Classification Sherloc (09022015). Collection method: clinical testing. Allele origin: germline.
Comment: This sequence change creates a premature translational stop signal (p.Arg74*) in the MTHFS gene. It is expected to result in an absent or disrupted protein product. Loss-of-function variants in MTHFS are known to be pathogenic (PMID: 30031689, 31844630). This variant is present in population databases (rs777878165, gnomAD 0.01%). This premature translational stop signal has been observed in individual(s) with 5,10-methenyltetrahydrofolate synthetase deficiency (PMID: 31844630). ClinVar contains an entry for this variant (Variation ID: 2420564). For these reasons, this variant has been classified as Pathogenic.

Literature cited by the submitters: PubMed 30031689; PubMed 31844630.

NM_006441.4(MTHFS):c.220C>T (p.Arg74Ter)

Genes: MTHFS (methenyltetrahydrofolate synthetase; minus strand), ST20-MTHFS (ST20-MTHFS readthrough; minus strand). Cytogenetic location: 15q25.1.
Variant type: single nucleotide variant.
Coding change: c.220C>T on transcript NM_006441.4 (MANE Select); coding-DNA position 220, C replaced by T.
Protein change: p.Arg74Ter; replaces arginine 74 with a stop codon.
Molecular consequence: nonsense. On other transcripts: non-coding transcript variant (1).
Genome position (GRCh38, 1-based): chr15:79,889,252, G>A on the plus strand (C>T on the coding strand, the complement: MTHFS is on the minus strand). VCF-style: chr15-79889252-G-A. GRCh37 (hg19) VCF-style: chr15-80181594-G-A.
Other names: c.148C>T, p.Arg50Ter (NM_001199760.2); c.49C>T, p.Arg17Ter (NM_001199758.1); short protein forms R17*, R50*, R74*.
Identifiers: ClinVar variation 2420564 (VCV002420564.5), dbSNP rs777878165, ClinGen allele CA7690332.